The following is an entry in ClinVar:

ClinVar aggregate classification (germline): Uncertain significance. Review status: criteria provided, multiple submitters, no conflicts (2 of 4 stars). 3 submissions from 3 submitters: Uncertain significance (3). Last evaluated 2025-11-25.

Conditions:
COL4A6-related disorder. Also called: COL4A6-related condition.

Allele frequency attached by ClinVar (database versions not stated): gnomAD exomes 0.00003 and 0.00005; TOPMed 0.00003.
gnomAD v4.1: 56 of 1,212,031 alleles (0.0046%); highest among the groups gnomAD compares: Admixed American, 0.015%; no homozygotes.

Submissions (3):

Labcorp Genetics (formerly Invitae), Labcorp
Classification: Uncertain significance. Last evaluated: 2025-11-25. Review status: criteria provided, single submitter. Criteria: Invitae Variant Classification Sherloc (09022015). Collection method: clinical testing. Allele origin: germline.
Comment: This sequence change replaces valine, which is neutral and non-polar, with isoleucine, which is neutral and non-polar, at codon 1556 of the COL4A6 protein (p.Val1556Ile). This variant is present in population databases (no rsID available, gnomAD 0.008%). This variant has not been reported in the literature in individuals affected with COL4A6-related conditions. ClinVar contains an entry for this variant (Variation ID: 1381122). An algorithm developed to predict the effect of missense changes on protein structure and function outputs the following: PolyPhen-2: "Benign". The isoleucine amino acid residue is found in multiple mammalian species, which suggests that this missense change does not adversely affect protein function. In summary, the available evidence is currently insufficient to determine the role of this variant in disease. Therefore, it has been classified as a Variant of Uncertain Significance.

Ambry Genetics
Classification: Uncertain significance. Last evaluated: 2024-04-15. Review status: criteria provided, single submitter. Criteria: Ambry Variant Classification Scheme 2023. Collection method: clinical testing. Allele origin: germline.

PreventionGenetics, part of Exact Sciences
Classification: Uncertain significance for COL4A6-related condition. Last evaluated: 2023-06-06. Review status: criteria provided, single submitter. Criteria: ACMG Guidelines, 2015. Collection method: clinical testing. Allele origin: germline.
Comment: The COL4A6 c.4666G>A variant is predicted to result in the amino acid substitution p.Val1556Ile. To our knowledge, this variant has not been reported in the literature. This variant is reported in 0.0073% of alleles in individuals of Latino descent in gnomAD. At this time, the clinical significance of this variant is uncertain due to the absence of conclusive functional and genetic evidence.

NM_033641.4(COL4A6):c.4663G>A (p.Val1555Ile)

Gene: COL4A6 (collagen type IV alpha 6 chain; minus strand). Cytogenetic location: Xq22.3.
Variant type: single nucleotide variant.
Coding change: c.4663G>A on transcript NM_033641.4 (MANE Select); coding-DNA position 4663, G replaced by A.
Protein change: p.Val1555Ile; replaces valine 1555 with isoleucine.
Molecular consequence: missense variant.
Genome position (GRCh38, 1-based): chrX:108,159,611, C>T on the plus strand (G>A on the coding strand, the complement: COL4A6 is on the minus strand). VCF-style: chrX-108159611-C-T. GRCh37 (hg19) VCF-style: chrX-107402841-C-T.
Other names: c.4714G>A, p.Val1572Ile (NM_001287758.2); c.4591G>A, p.Val1531Ile (NM_001287759.2); c.4492G>A, p.Val1498Ile (NM_001287760.2); c.4666G>A, p.Val1556Ile (NM_001847.4); c.4666G>A (NM_001847.3, NM_001847.2); short protein forms V1556I, V1531I, V1555I, V1498I, V1572I.
Identifiers: ClinVar variation 1381122 (VCV001381122.7), dbSNP rs908480471, ClinGen allele CA334034513.